The following is an entry in ClinVar:

NM_201596.3(CACNB2):c.1745A>G (p.Tyr582Cys)

Gene: CACNB2 (calcium voltage-gated channel auxiliary subunit beta 2; plus strand). Cytogenetic location: 10p12.31.
Variant type: single nucleotide variant.
Coding change: c.1745A>G on transcript NM_201596.3 (MANE Select); coding-DNA position 1745, A replaced by G.
Protein change: p.Tyr582Cys; replaces tyrosine 582 with cysteine.
Molecular consequence: missense variant.
Genome position (GRCh38, 1-based): chr10:18,539,486, A>G. VCF-style: chr10-18539486-A-G. GRCh37 (hg19) VCF-style: chr10-18828415-A-G.
Other names: c.1580A>G, p.Tyr527Cys (NM_000724.4); c.1547A>G, p.Tyr516Cys (NM_001167945.2); c.1466A>G, p.Tyr489Cys (NM_001330060.2); c.1487A>G, p.Tyr496Cys (NM_001410882.1); c.1601A>G, p.Tyr534Cys (NM_201570.3); c.1661A>G, p.Tyr554Cys (NM_201571.4); c.1589A>G, p.Tyr530Cys (NM_201572.4); c.1583A>G, p.Tyr528Cys (NM_201590.3); and 2 more; short protein forms Y489C, Y496C, Y530C, Y528C, Y516C, Y534C, Y554C, Y527C.
Identifiers: ClinVar variation 1775749 (VCV001775749.2), dbSNP rs201553205, ClinGen allele CA5430151.

ClinVar aggregate classification (germline): Uncertain significance (1 of 4 stars; one submission).

Conditions:
Cardiovascular phenotype. Identifiers: MedGen CN230736.

Allele frequency attached by ClinVar (database versions not stated): gnomAD exomes below 0.00001; ExAC 0.00001; gnomAD 0.00001; 1000 Genomes Project 30x 0.00016; 1000 Genomes Project 0.00020.
gnomAD v4.1: 2 of 1,613,978 alleles (0.00012%); highest among the groups gnomAD compares: African/African-American, 0.0013%; no homozygotes.

Submission:

Ambry Genetics
Classification: Uncertain significance for Cardiovascular phenotype. Last evaluated: 2021-08-27. Review status: criteria provided, single submitter. Criteria: Ambry Variant Classification Scheme 2023. Collection method: clinical testing. Allele origin: germline.
Comment: The p.Y528C variant (also known as c.1583A>G), located in coding exon 13 of the CACNB2 gene, results from an A to G substitution at nucleotide position 1583. The tyrosine at codon 528 is replaced by cysteine, an amino acid with highly dissimilar properties. This amino acid position is conserved. In addition, this alteration is predicted to be tolerated by in silico analysis. Since supporting evidence is limited at this time, the clinical significance of this alteration remains unclear.